The following is an entry in ClinVar:

NM_001130823.3(DNMT1):c.4493G>T (p.Gly1498Val)

Genes: DNMT1 (DNA methyltransferase 1; minus strand), LOC126862853 (CDK7 strongly-dependent group 2 enhancer GRCh37_chr19:10246117-10247316; plus strand). Cytogenetic location: 19p13.2.
Variant type: single nucleotide variant.
Coding change: c.4493G>T on transcript NM_001130823.3 (MANE Select); coding-DNA position 4493, G replaced by T.
Protein change: p.Gly1498Val; replaces glycine 1498 with valine.
Molecular consequence: missense variant.
Genome position (GRCh38, 1-based): chr19:10,136,284, C>A on the plus strand (G>T on the coding strand, the complement: DNMT1 is on the minus strand). VCF-style: chr19-10136284-C-A. GRCh37 (hg19) VCF-style: chr19-10246960-C-A.
Other names: c.4493G>T (NM_001130823.2); c.4454G>T, p.Gly1485Val (NM_001318730.2); c.4130G>T, p.Gly1377Val (NM_001318731.2); c.4445G>T, p.Gly1482Val (NM_001379.4); short protein forms G1377V, G1485V, G1482V, G1498V.
Identifiers: ClinVar variation 936760 (VCV000936760.11), dbSNP rs746932608, ClinGen allele CA9187487.
Genomic context (GRCh38, chr19:10,136,284, plus strand): 5'-TGGGGCAGGCACCAGGGGATGAGGGTGTTGAACTGCCTGGCTGCGGGGTCGCAGGCTTTG[C>A]CGGCTGGAAGACAGGACAGTGATGAGGCTGCAGTTGTGGGATGGGGTATAGGCTTGGGAC-3'
Protein context (NP_001124295.1, residues 1488-1508): LRGVCSCVEA[Gly1498Val]KACDPAARQF

ClinVar aggregate classification (germline): Conflicting classifications of pathogenicity. Review status: criteria provided, conflicting classifications (1 of 4 stars). 3 submissions from 3 submitters: Uncertain significance (2); Likely benign (1). Last evaluated 2026-06-15.

Conditions:
Hereditary sensory neuropathy-deafness-dementia syndrome. Also called: HSN IE; Hereditary sensory neuropathy type IE; NEUROPATHY, HEREDITARY SENSORY, WITH HEARING LOSS AND DEMENTIA; Hereditary Sensory and Autonomic Neuropathy Type 1E (HSAN1E). Identifiers: Orphanet 456318, MedGen C3279885, MONDO:0013584, OMIM 614116.
Inborn genetic diseases. Identifiers: MedGen C0950123, MeSH D030342.
DNMT1-related disorder. Also called: DNMT1-related condition. Identifiers: MedGen CN381527.

Allele frequency attached by ClinVar (database versions not stated): ExAC 0.00001; gnomAD exomes 0.00001; gnomAD 0.00005 and 0.00006; TOPMed 0.00012.
gnomAD v4.1: 21 of 1,613,600 alleles (0.0013%); highest among the groups gnomAD compares: African/African-American, 0.017%; no homozygotes.

Submissions (3):

PreventionGenetics, part of Exact Sciences
Classification: Uncertain significance for DNMT1-related condition. Last evaluated: 2026-06-15. Review status: criteria provided, single submitter. Criteria: ACMG Guidelines, 2015. Collection method: clinical testing. Allele origin: germline.
Comment: The DNMT1 c.4493G>T variant is predicted to result in the amino acid substitution p.Gly1498Val. To our knowledge, this variant has not been reported in the literature. This variant is reported in 0.0080% of alleles in individuals of African descent in gnomAD. At this time, the clinical significance of this variant is uncertain due to the absence of conclusive functional and genetic evidence.

Labcorp Genetics (formerly Invitae), Labcorp
Classification: Likely benign for Hereditary sensory neuropathy-deafness-dementia syndrome. Last evaluated: 2026-01-10. Review status: criteria provided, single submitter. Criteria: Invitae Variant Classification Sherloc (09022015). Collection method: clinical testing. Allele origin: germline.

Ambry Genetics
Classification: Uncertain significance for Inborn genetic diseases. Last evaluated: 2020-02-04. Review status: criteria provided, single submitter. Criteria: Ambry Variant Classification Scheme 2023. Collection method: clinical testing. Allele origin: germline.
Comment: The p.G1482V variant (also known as c.4445G>T), located in coding exon 37 of the DNMT1 gene, results from a G to T substitution at nucleotide position 4445. The glycine at codon 1482 is replaced by valine, an amino acid with dissimilar properties. This amino acid position is well conserved in available vertebrate species. In addition, this alteration is predicted to be tolerated by in silico analysis. Since supporting evidence is limited at this time, the clinical significance of this alteration remains unclear.